The following is an entry in ClinVar:

NM_198681.4(PLEKHG5):c.-120C>T

Gene: PLEKHG5 (pleckstrin homology and RhoGEF domain containing G5; minus strand). Cytogenetic location: 1p36.31.
Variant type: single nucleotide variant.
Coding change: c.-120C>T on transcript NM_198681.4; 120 bases upstream of the start codon, C replaced by T.
Molecular consequence: 5 prime UTR variant. On other transcripts: genic upstream transcript variant (1).
Genome position (GRCh38, 1-based): chr1:6,496,525, G>A on the plus strand (C>T on the coding strand, the complement: PLEKHG5 is on the minus strand). VCF-style: chr1-6496525-G-A. GRCh37 (hg19) VCF-style: chr1-6556585-G-A.
Other names: c.-9C>T (NM_001042663.3, NM_001265592.2); c.-4976C>T (NM_020631.6).
Identifiers: ClinVar variation 1050168 (VCV001050168.41), dbSNP rs201669114, ClinGen allele CA562104.

ClinVar aggregate classification (germline): Conflicting classifications of pathogenicity. Review status: criteria provided, conflicting classifications (1 of 4 stars). 8 submissions from 8 submitters: Uncertain significance (3); Likely benign (2). 3 of the submissions do not count toward it. Last evaluated 2025-09-01.

Conditions:
PLEKHG5-related disorder. Also called: PLEKHG5-related condition.
Peripheral neuropathy. Also called: Neuropathy. Identifiers: MedGen C0031117, MONDO:0005244, HP:0009830.

Allele frequency attached by ClinVar (database versions not stated): 1000 Genomes Project 0.00060; 1000 Genomes Project 30x 0.00078; ExAC 0.00143; TOPMed 0.00190; ESP Exome Variant Server 0.00307.
gnomAD v4.1: 4,002 of 1,603,620 alleles (0.25%); highest among the groups gnomAD compares: Non-Finnish European, 0.32%; 10 homozygotes.

Submissions (8):

CeGaT Center for Human Genetics Tuebingen
Classification: Likely benign. Last evaluated: 2025-09-01. Review status: criteria provided, single submitter. Criteria: CeGaT Center For Human Genetics Tuebingen Variant Classification Criteria Version 2. Collection method: clinical testing. Allele origin: germline. Affected: yes. Observed: 6 variant alleles.
Comment: PLEKHG5: BP4, BS1

ARUP Laboratories, Molecular Genetics and Genomics, ARUP Laboratories
Classification: Uncertain significance. Last evaluated: 2025-07-03. Review status: criteria provided, single submitter. Criteria: ARUP Molecular Germline Variant Investigation Process 2024. Collection method: clinical testing. Allele origin: germline.
Comment: The PLEKHG5 c.112C>T, p.Pro38Ser (rs201669114), is reported in the literature in 4 individuals in 2 families affected with Alzheimerâ€™s disease (Cukier 2017), but has not been reported in patients affected with Charcot-Marie-Tooth disease. This variant is reported in ClinVar (Variation ID: 1050168) and is found in the general population with an allele frequency of 0.13% (362/271,658 alleles, including 1 homozygote) in the Genome Aggregation Database. Computational analyses are uncertain whether this variant is neutral or deleterious (REVEL: 0.152). Based on available information, the clinical significance of this variant is uncertain at this time. References: Cukier, et al. â€œExome Sequencing of Extended Families with Alzheimer's Disease Identifies Novel Genes Implicated in Cell Immunity and Neuronal Function.â€ J Alzheimers Dis Parkinsonism. 2017. 7: 355. PMID 29177109.

Women's Health and Genetics/Laboratory Corporation of America, LabCorp
Classification: Likely benign. Last evaluated: 2024-12-04. Review status: criteria provided, single submitter. Criteria: LabCorp Variant Classification Summary - May 2015. Collection method: clinical testing. Allele origin: germline.
Comment: Variant summary: PLEKHG5 c.-4976C>T is located in the untranscribed region upstream of the PLEKHG5 gene region. This variant is also named c.-9C>T in NM_001265592 transcript. The variant allele was found at a frequency of 0.0013 in 240278 control chromosomes, predominantly at a frequency of 0.0025 within the Non-Finnish European subpopulation in the gnomAD database. The observed variant frequency within Non-Finnish European control individuals in the gnomAD database is approximately 2.24 fold of the estimated maximal expected allele frequency for a pathogenic variant in PLEKHG5 causing Distal Spinal Muscular Atrophy, Autosomal Recessive 4 phenotype (0.0011). c.-4976C>T has been reported in the literature in four heterozygous individuals affected with Alzheimers Disease (Cukier_2017) but not Distal Spinal Muscular Atrophy, Autosomal Recessive 4. These report(s) do not provide unequivocal conclusions about association of the variant with Distal Spinal Muscular Atrophy, Autosomal Recessive 4. To our knowledge, no experimental evidence demonstrating an impact on protein function has been reported. ClinVar contains an entry for this variant (Variation ID: 1050168). Based on the evidence outlined above, the variant was classified as likely benign.

Blueprint Genetics
Classification: Uncertain significance. Last evaluated: 2024-11-22. Review status: criteria provided, single submitter. Criteria: ACMG Guidelines, 2015. Collection method: clinical testing. Allele origin: germline.

Mayo Clinic Laboratories, Mayo Clinic
Classification: Uncertain significance. Last evaluated: 2022-04-13. Review status: criteria provided, single submitter. Criteria: ACMG Guidelines, 2015. Collection method: clinical testing. Allele origin: germline. Observed: 8 variant alleles.
Comment: BP4

PreventionGenetics, part of Exact Sciences
Classification: Likely benign for PLEKHG5-related condition. Last evaluated: 2020-08-13. Review status: no assertion criteria provided. Collection method: clinical testing. Allele origin: germline. Not counted in ClinVar's aggregate classification.
Comment: This variant is classified as likely benign based on ACMG/AMP sequence variant interpretation guidelines (Richards et al. 2015 PMID: 25741868, with internal and published modifications).

Department of Pathology and Laboratory Medicine, Sinai Health System
Classification: Uncertain significance. Review status: no assertion criteria provided. Collection method: clinical testing. Allele origin: unknown. Affected: yes. Study: The Canadian Open Genetics Repository (COGR). Not counted in ClinVar's aggregate classification.
Comment: The PLEKHG5 p.Pro40Ser variant was not identified in the literature nor was it identified in ClinVar. The variant was identified in dbSNP (ID: rs201669114) and in control databases in 362 of 271658 chromosomes (1 homozygous) at a frequency of 0.001333 increasing the likelihood this could be a low frequency benign variant (Genome Aggregation Database March 6, 2019, v2.1.1). The variant was observed in the following populations: European (non-Finnish) in 304 of 123808 chromosomes (freq: 0.002455), Ashkenazi Jewish in 17 of 10068 chromosomes (freq: 0.001689), Other in 7 of 6866 chromosomes (freq: 0.00102), Latino in 19 of 34140 chromosomes (freq: 0.000557), European (Finnish) in 8 of 24888 chromosomes (freq: 0.000321), African in 6 of 23608 chromosomes (freq: 0.000254) and South Asian in 1 of 29698 chromosomes (freq: 0.000034), but was not observed in the East Asian population. The p.Pro40 residue is conserved in mammals and computational analyses (PolyPhen-2, SIFT, AlignGVGD, BLOSUM, MutationTaster) provide inconsistent predictions regarding the impact to the protein; this information is not very predictive of pathogenicity. The variant occurs outside of the splicing consensus sequence and in silico or computational prediction software programs (SpliceSiteFinder, MaxEntScan, NNSPLICE, GeneSplicer) do not predict a difference in splicing. In summary, based on the above information the clinical significance of this variant cannot be determined with certainty at this time. This variant is classified as a variant of uncertain significance.

Institute of Human Genetics, University of Wuerzburg
Classification: Uncertain significance for Peripheral neuropathy. Review status: no assertion criteria provided. Collection method: clinical testing. Allele origin: unknown. Affected: yes. Observed: 1 variant allele. Not counted in ClinVar's aggregate classification.

Literature cited by the submitters: PubMed 29177109 (cited by Women's Health and Genetics/Laboratory Corporation of America, LabCorp and Mayo Clinic Laboratories, Mayo Clinic).